The following is an entry in ClinVar:

ClinVar aggregate classification (germline): Uncertain significance. Review status: criteria provided, multiple submitters, no conflicts (2 of 4 stars). 2 submissions from 2 submitters: Uncertain significance (2). Last evaluated 2025-12-11.

Conditions:
Frontotemporal dementia and/or amyotrophic lateral sclerosis 1 (FTDALS1). Also called: Frontotemporal dementia with motor neuron disease 1; C9orf72 Frontotemporal Dementia and/or Amyotrophic Lateral Sclerosis. Identifiers: Orphanet 275872, MedGen C5779877, MONDO:0007105, OMIM 105550.
Paget disease of bone 2, early-onset (PDB2). Also called: Paget disease of bone 2. Identifiers: MedGen C4085251, MONDO:0011183, OMIM 602080.

gnomAD v4.1: 3 of 1,330,898 alleles (0.00023%); highest among the groups gnomAD compares: Non-Finnish European, 0.00029%; no homozygotes.

Submissions (2):

Women's Health and Genetics/Laboratory Corporation of America, LabCorp
Classification: Uncertain significance. Last evaluated: 2025-12-11. Review status: criteria provided, single submitter. Criteria: LabCorp Variant Classification Summary - May 2015. Collection method: clinical testing. Allele origin: germline.
Comment: Variant summary: SQSTM1 c.205+14G>T alters a non-conserved nucleotide located at a position not widely known to affect splicing. Several computational tools predict a significant impact on normal splicing: Four predict the variant creates a cryptic 5' donor site. However, these predictions have yet to be confirmed by functional studies. The variant was absent in 31290 control chromosomes. The available data on variant occurrences in the general population are insufficient to allow any conclusion about variant significance. To our knowledge, no occurrence of c.205+14G>T in individuals affected with SQSTM1-related conditions and no experimental evidence demonstrating its impact on protein function have been reported. No submitters have cited clinical-significance assessments for this variant to ClinVar. Based on the evidence outlined above, the variant was classified as uncertain significance.

Labcorp Genetics (formerly Invitae), Labcorp
Classification: Uncertain significance for Paget disease of bone 2, early-onset; Frontotemporal dementia and/or amyotrophic lateral sclerosis 1. Last evaluated: 2025-07-26. Review status: criteria provided, single submitter. Criteria: Invitae Variant Classification Sherloc (09022015). Collection method: clinical testing. Allele origin: germline.
Comment: This sequence change falls in intron 1 of the SQSTM1 gene. It does not directly change the encoded amino acid sequence of the SQSTM1 protein. This variant is not present in population databases (gnomAD no frequency). This variant has not been reported in the literature in individuals affected with SQSTM1-related conditions. Algorithms developed to predict the effect of sequence changes on RNA splicing suggest that this variant may create or strengthen a splice site. In summary, the available evidence is currently insufficient to determine the role of this variant in disease. Therefore, it has been classified as a Variant of Uncertain Significance.

NM_003900.5(SQSTM1):c.205+14G>T

Genes: SQSTM1 (sequestosome 1; plus strand), LOC129995449 (ATAC-STARR-seq lymphoblastoid silent region 16749; plus strand). Cytogenetic location: 5q35.3.
Variant type: single nucleotide variant.
Coding change: c.205+14G>T on transcript NM_003900.5 (MANE Select); 14 bases into the intron after coding-DNA position 205, G replaced by T.
Molecular consequence: intron variant.
Genome position (GRCh38, 1-based): chr5:179,821,155, G>T. VCF-style: chr5-179821155-G-T. GRCh37 (hg19) VCF-style: chr5-179248155-G-T.
Other names: c.-47-1803G>T (NM_001142298.2, NM_001142299.2).
Identifiers: ClinVar variation 4688386 (VCV004688386.2).